The following is an entry in ClinVar:

NM_017763.6(RNF43):c.749C>A (p.Ala250Asp)

Gene: RNF43 (ring finger protein 43; minus strand). Cytogenetic location: 17q22.
Variant type: single nucleotide variant.
Coding change: c.749C>A on transcript NM_017763.6 (MANE Select); coding-DNA position 749, C replaced by A.
Protein change: p.Ala250Asp; replaces alanine 250 with aspartic acid.
Molecular consequence: missense variant.
Genome position (GRCh38, 1-based): chr17:58,360,883, G>T on the plus strand (C>A on the coding strand, the complement: RNF43 is on the minus strand). VCF-style: chr17-58360883-G-T. GRCh37 (hg19) VCF-style: chr17-56438244-G-T.
Other names: c.749C>A (NM_017763.4); c.749C>A, p.Ala250Asp (NM_001305544.3); c.368C>A, p.Ala123Asp (NM_001305545.2); short protein forms A123D, A250D.
Identifiers: ClinVar variation 1007690 (VCV001007690.11), dbSNP rs1278447549, ClinGen allele CA400333957.

ClinVar aggregate classification (germline): Uncertain significance. Review status: criteria provided, multiple submitters, no conflicts (2 of 4 stars). 4 submissions from 4 submitters: Uncertain significance (4). Last evaluated 2024-11-26.

Conditions:
Sessile serrated polyposis cancer syndrome (SSPCS). Identifiers: Orphanet 157798, MedGen C4310714, MONDO:0014919, OMIM 617108.

Allele frequency attached by ClinVar (database versions not stated): gnomAD exomes below 0.00001; gnomAD 0.00001; TOPMed 0.00003.
gnomAD v4.1: 3 of 1,611,158 alleles (0.00019%); highest among the groups gnomAD compares: Non-Finnish European, 0.00017%; no homozygotes.

Submissions (4):

Ambry Genetics
Classification: Uncertain significance. Last evaluated: 2024-11-26. Review status: criteria provided, single submitter. Criteria: Ambry Variant Classification Scheme 2023. Collection method: clinical testing. Allele origin: germline.
Comment: The p.A250D variant (also known as c.749C>A), located in coding exon 6 of the RNF43 gene, results from a C to A substitution at nucleotide position 749. The alanine at codon 250 is replaced by aspartic acid, an amino acid with dissimilar properties. This amino acid position is conserved. In addition, this alteration is predicted to be tolerated by in silico analysis. Based on the available evidence, the clinical significance of this variant remains unclear.

GeneDx
Classification: Uncertain significance. Last evaluated: 2024-05-08. Review status: criteria provided, single submitter. Criteria: GeneDx Variant Classification Process June 2021. Collection method: clinical testing. Allele origin: germline. Affected: yes.
Comment: Not observed at significant frequency in large population cohorts (gnomAD); In silico analysis supports that this missense variant has a deleterious effect on protein structure/function; Has not been previously published as pathogenic or benign to our knowledge; Variants in candidate genes are classified as variants of uncertain significance in accordance with ACMG guidelines (PMID: 25741868)

Baylor Genetics
Classification: Uncertain significance for Sessile serrated polyposis cancer syndrome. Last evaluated: 2024-03-17. Review status: criteria provided, single submitter. Criteria: ACMG Guidelines, 2015. Collection method: clinical testing. Allele origin: unknown.

Labcorp Genetics (formerly Invitae), Labcorp
Classification: Uncertain significance. Last evaluated: 2023-10-20. Review status: criteria provided, single submitter. Criteria: Invitae Variant Classification Sherloc (09022015). Collection method: clinical testing. Allele origin: germline.
Comment: This sequence change replaces alanine, which is neutral and non-polar, with aspartic acid, which is acidic and polar, at codon 250 of the RNF43 protein (p.Ala250Asp). This variant is not present in population databases (gnomAD no frequency). This variant has not been reported in the literature in individuals affected with RNF43-related conditions. ClinVar contains an entry for this variant (Variation ID: 1007690). An algorithm developed to predict the effect of missense changes on protein structure and function (PolyPhen-2) suggests that this variant is likely to be tolerated. In summary, the available evidence is currently insufficient to determine the role of this variant in disease. Therefore, it has been classified as a Variant of Uncertain Significance.